The following is an entry in ClinVar:

NM_001103.4(ACTN2):c.784-522C>T

Gene: ACTN2 (actinin alpha 2; plus strand). Cytogenetic location: 1q43.
Variant type: single nucleotide variant.
Coding change: c.784-522C>T on transcript NM_001103.4 (MANE Select); 522 bases into the intron before coding-DNA position 784, C replaced by T.
Molecular consequence: intron variant. On other transcripts: non-coding transcript variant (1).
Genome position (GRCh38, 1-based): chr1:236,736,600, C>T. VCF-style: chr1-236736600-C-T. GRCh37 (hg19) VCF-style: chr1-236899900-C-T.
Other names: c.91C>T (NM_001278344.1); c.784-522C>T (NM_001278343.2).
Identifiers: ClinVar variation 3031455 (VCV003031455.2), dbSNP rs1329590955, ClinGen allele CA345378434.

ClinVar aggregate classification (germline): Likely benign (0 of 4 stars; one submission).

Conditions:
ACTN2-related disorder. Also called: ACTN2 related condition; ACTN2-related disorders.

Allele frequency attached by ClinVar (database versions not stated): TOPMed 0.00012; gnomAD 0.00052; gnomAD exomes 0.00054.
gnomAD v4.1: 79 of 147,824 alleles (0.053%); highest among the groups gnomAD compares: East Asian, 0.6%; 1 homozygote.

Submission:

PreventionGenetics, part of Exact Sciences
Classification: Likely benign for ACTN2-related condition. Last evaluated: 2022-04-27. Review status: no assertion criteria provided. Collection method: clinical testing. Allele origin: germline.
Comment: This variant is classified as likely benign based on ACMG/AMP sequence variant interpretation guidelines (Richards et al. 2015 PMID: 25741868, with internal and published modifications).